The following is an entry in ClinVar:

ClinVar aggregate classification (germline): Uncertain significance. Review status: criteria provided, multiple submitters, no conflicts (2 of 4 stars). 2 submissions from 2 submitters: Uncertain significance (2). Last evaluated 2025-08-26.

Conditions:
Hereditary cancer-predisposing syndrome. Also called: Hereditary neoplastic syndrome; Hereditary Cancer Syndrome; Neoplastic Syndromes, Hereditary; Tumor predisposition. Identifiers: Orphanet 140162, MedGen C0027672, MeSH D009386, MONDO:0015356.
Familial adenomatous polyposis 1 (FAP1). Also called: FAMILIAL ADENOMATOUS POLYPOSIS 1, ATTENUATED; POLYPOSIS, ADENOMATOUS INTESTINAL. Identifiers: MedGen C2713442, MONDO:0021056, OMIM 175100. Disease mechanism: loss of function.

Submissions (2):

Ambry Genetics
Classification: Uncertain significance for Hereditary cancer-predisposing syndrome. Last evaluated: 2025-08-26. Review status: criteria provided, single submitter. Criteria: Ambry Variant Classification Scheme 2023. Collection method: clinical testing. Allele origin: germline.
Comment: The p.P2745S variant (also known as c.8233C>T), located in coding exon 15 of the APC gene, results from a C to T substitution at nucleotide position 8233. The proline at codon 2745 is replaced by serine, an amino acid with similar properties. This alteration has been reported as a mutation in an individual from a cohort of 1191 cancer index patients who underwent clinical evaluation and testing with multigene panels (Chan GHJ et al. Oncotarget, 2018 Jul;9:30649-30660). This amino acid position is not well conserved in available vertebrate species. In addition, in silico predictors for this gene do not accurately predict pathogenicity. Missense alterations in APC are not a common cause of disease (Spier I et al. Genet Med. 2024 Feb;26(2):100992). Based on the available evidence, the clinical significance of this variant remains unclear.

Labcorp Genetics (formerly Invitae), Labcorp
Classification: Uncertain significance for Familial adenomatous polyposis 1. Last evaluated: 2025-07-03. Review status: criteria provided, single submitter. Criteria: Invitae Variant Classification Sherloc (09022015). Collection method: clinical testing. Allele origin: germline.
Comment: This sequence change replaces proline, which is neutral and non-polar, with serine, which is neutral and polar, at codon 2745 of the APC protein (p.Pro2745Ser). This variant is not present in population databases (gnomAD no frequency). This missense change has been observed in individual(s) with ovarian cancer (PMID: 30093976). ClinVar contains an entry for this variant (Variation ID: 229970). Invitae Evidence Modeling of protein sequence and biophysical properties (such as structural, functional, and spatial information, amino acid conservation, physicochemical variation, residue mobility, and thermodynamic stability) indicates that this missense variant is not expected to disrupt APC protein function with a negative predictive value of 95%. In summary, the available evidence is currently insufficient to determine the role of this variant in disease. Therefore, it has been classified as a Variant of Uncertain Significance.

Literature cited by the submitters: PubMed 30093976 (cited by Ambry Genetics and Labcorp Genetics (formerly Invitae), Labcorp).

NM_000038.6(APC):c.8233C>T (p.Pro2745Ser)

Gene: APC (APC regulator of Wnt signaling pathway; plus strand). Cytogenetic location: 5q22.2.
Variant type: single nucleotide variant.
Coding change: c.8233C>T on transcript NM_000038.6 (MANE Select); coding-DNA position 8233, C replaced by T.
Protein change: p.Pro2745Ser; replaces proline 2745 with serine.
Molecular consequence: missense variant.
Genome position (GRCh38, 1-based): chr5:112,843,827, C>T. VCF-style: chr5-112843827-C-T. GRCh37 (hg19) VCF-style: chr5-112179524-C-T.
Other names: c.8233C>T, p.Pro2745Ser (NM_001127510.3, NM_001354895.2); c.8179C>T, p.Pro2727Ser (NM_001127511.3); c.8287C>T, p.Pro2763Ser (NM_001354896.2); c.8263C>T, p.Pro2755Ser (NM_001354897.2); c.8158C>T, p.Pro2720Ser (NM_001354898.2); c.8149C>T, p.Pro2717Ser (NM_001354899.2); c.8110C>T, p.Pro2704Ser (NM_001354900.2); c.8056C>T, p.Pro2686Ser (NM_001354901.2); and 5 more; short protein forms P2727S, P2745S, P2644S, P2717S, P2755S, P2704S, P2462S, P2585S.
Identifiers: ClinVar variation 229970 (VCV000229970.53), dbSNP rs587779809, ClinGen allele CA10578460.